The following is an entry in ClinVar:

ClinVar aggregate classification (germline): Pathogenic (0 of 4 stars; one submission).

Conditions:
CHD7-related disorder. Also called: CHD7-related condition.

Submission:

PreventionGenetics, part of Exact Sciences
Classification: Pathogenic for CHD7-related condition. Last evaluated: 2023-11-08. Review status: no assertion criteria provided. Collection method: clinical testing. Allele origin: germline.
Comment: The CHD7 c.2053delG variant is predicted to result in a frameshift and premature protein termination (p.Ala685Glnfs*26). To our knowledge, this variant has not been reported in the literature or in a large population database, indicating this variant is rare. Frameshift variants in CHD7 are expected to be pathogenic. This variant is interpreted as pathogenic.

NM_017780.4(CHD7):c.2053del (p.Ala685fs)

Genes: CHD7 (chromodomain helicase DNA binding protein 7; plus strand), LOC126860403 (CDK7 strongly-dependent group 2 enhancer GRCh37_chr8:61693034-61694233; plus strand). Cytogenetic location: 8q12.2.
Variant type: Deletion.
Coding change: c.2053del on transcript NM_017780.4 (MANE Select); coding-DNA position 2053, one base deleted (G; older notation c.2053delG).
Protein change: p.Ala685fs; shifts the reading frame from alanine 685.
Molecular consequence: frameshift variant. On other transcripts: intron variant (1).
Genome position (GRCh38, 1-based): chr8:60,781,387, G deleted. VCF-style (leftmost placement, unchanged base first): chr8-60781386-AG-A. GRCh37 (hg19) VCF-style: chr8-61693945-AG-A.
Other names: c.1716+337del (NM_001316690.1); short protein forms A685fs.
Identifiers: ClinVar variation 3055937 (VCV003055937.2), dbSNP rs2487540941, ClinGen allele CA2740095051.